The following is an entry in ClinVar:

ClinVar aggregate classification (germline): Uncertain significance (1 of 4 stars; one submission).

Submission:

GeneDx
Classification: Uncertain significance. Last evaluated: 2023-12-07. Review status: criteria provided, single submitter. Criteria: GeneDx Variant Classification Process June 2021. Collection method: clinical testing. Allele origin: germline. Affected: yes.
Comment: Not observed at significant frequency in large population cohorts (gnomAD); In silico analysis supports that this missense variant does not alter protein structure/function; Has not been previously published as pathogenic or benign to our knowledge

NM_006160.4(NEUROD2):c.1013C>G (p.Thr338Arg)

Gene: NEUROD2 (neuronal differentiation 2; minus strand). Cytogenetic location: 17q12.
Variant type: single nucleotide variant.
Coding change: c.1013C>G on transcript NM_006160.4 (MANE Select); coding-DNA position 1013, C replaced by G.
Protein change: p.Thr338Arg; replaces threonine 338 with arginine.
Molecular consequence: missense variant.
Genome position (GRCh38, 1-based): chr17:39,605,587, G>C on the plus strand (C>G on the coding strand, the complement: NEUROD2 is on the minus strand). VCF-style: chr17-39605587-G-C. GRCh37 (hg19) VCF-style: chr17-37761840-G-C.
Other names: short protein forms T338R.
Identifiers: ClinVar variation 3365403 (VCV003365403.1).